The following is an entry in ClinVar:

ClinVar aggregate classification (germline): Uncertain significance (1 of 4 stars; one submission).

Conditions:
Intellectual developmental disorder, autosomal recessive 7. Also called: Intellectual disability, autosomal recessive 7. Identifiers: Orphanet 88616, MedGen C1970197, MONDO:0012615, OMIM 611093.

Submission:

Labcorp Genetics (formerly Invitae), Labcorp
Classification: Uncertain significance for Intellectual developmental disorder, autosomal recessive 7. Last evaluated: 2022-07-21. Review status: criteria provided, single submitter. Criteria: Invitae Variant Classification Sherloc (09022015). Collection method: clinical testing. Allele origin: germline.
Comment: In summary, the available evidence is currently insufficient to determine the role of this variant in disease. Therefore, it has been classified as a Variant of Uncertain Significance. Algorithms developed to predict the effect of missense changes on protein structure and function (SIFT, PolyPhen-2, Align-GVGD) all suggest that this variant is likely to be tolerated. This variant has not been reported in the literature in individuals affected with TUSC3-related conditions. This variant is not present in population databases (gnomAD no frequency). This sequence change replaces glycine, which is neutral and non-polar, with valine, which is neutral and non-polar, at codon 39 of the TUSC3 protein (p.Gly39Val).

NM_006765.4(TUSC3):c.116G>T (p.Gly39Val)

Gene: TUSC3 (tumor suppressor candidate 3; plus strand). Cytogenetic location: 8p22.
Variant type: single nucleotide variant.
Coding change: c.116G>T on transcript NM_006765.4 (MANE Select); coding-DNA position 116, G replaced by T.
Protein change: p.Gly39Val; replaces glycine 39 with valine.
Molecular consequence: missense variant.
Genome position (GRCh38, 1-based): chr8:15,540,546, G>T. VCF-style: chr8-15540546-G-T. GRCh37 (hg19) VCF-style: chr8-15398055-G-T.
Other names: c.116G>T, p.Gly39Val (NM_001356429.2, NM_001413583.1, NM_001413673.1 and 17 more transcripts); c.-199G>T (NM_001413677.1); c.-102G>T (NM_001413678.1); short protein forms G39V.
Identifiers: ClinVar variation 2013450 (VCV002013450.4), dbSNP rs780023166, ClinGen allele CA370389563.